The following is an entry in ClinVar:

NM_001364905.1(LRBA):c.1660T>C (p.Tyr554His)

Gene: LRBA (LPS responsive beige-like anchor protein; minus strand). Cytogenetic location: 4q31.3.
Variant type: single nucleotide variant.
Coding change: c.1660T>C on transcript NM_001364905.1 (MANE Select); coding-DNA position 1660, T replaced by C.
Protein change: p.Tyr554His; replaces tyrosine 554 with histidine.
Molecular consequence: missense variant.
Genome position (GRCh38, 1-based): chr4:150,905,933, A>G on the plus strand (T>C on the coding strand, the complement: LRBA is on the minus strand). VCF-style: chr4-150905933-A-G. GRCh37 (hg19) VCF-style: chr4-151827085-A-G.
Other names: c.1660T>C, p.Tyr554His (NM_001199282.3, NM_001367550.1, NM_006726.5); short protein forms Y554H.
Identifiers: ClinVar variation 2099451 (VCV002099451.4), dbSNP rs2546639526, ClinGen allele CA358431538.
Genomic context (GRCh38, chr4:150,905,933, plus strand): 5'-GAAGAACGTGATCACACAATTGCTTGAGCAGGGGCATCCCATTCTGCAGATTACTCAGAT[A>G]TTTTGAAAATGCAAGGCAAAGTTCAAGTACTGCTCTGCTAACATGAGATTTGGAAGACTG-3'
Protein context (NP_001351834.1, residues 544-564): VLELCLAFSK[Tyr554His]LSNLQNGMPL

ClinVar aggregate classification (germline): Uncertain significance (1 of 4 stars; one submission).

Conditions:
Combined immunodeficiency due to LRBA deficiency. Also called: Common variable immunodeficiency 8, with autoimmunity. Identifiers: Orphanet 445018, MedGen C3553512, MONDO:0013863, OMIM 614700.

Submission:

Labcorp Genetics (formerly Invitae), Labcorp
Classification: Uncertain significance for Combined immunodeficiency due to LRBA deficiency. Last evaluated: 2022-04-07. Review status: criteria provided, single submitter. Criteria: Invitae Variant Classification Sherloc (09022015). Collection method: clinical testing. Allele origin: germline.
Comment: This sequence change replaces tyrosine, which is neutral and polar, with histidine, which is basic and polar, at codon 554 of the LRBA protein (p.Tyr554His). This variant is not present in population databases (gnomAD no frequency). This variant has not been reported in the literature in individuals affected with LRBA-related conditions. Algorithms developed to predict the effect of missense changes on protein structure and function are either unavailable or do not agree on the potential impact of this missense change (SIFT: "Tolerated"; PolyPhen-2: "Probably Damaging"; Align-GVGD: "Class C0"). In summary, the available evidence is currently insufficient to determine the role of this variant in disease. Therefore, it has been classified as a Variant of Uncertain Significance.